The following is an entry in ClinVar:

ClinVar aggregate classification (germline): Uncertain significance (1 of 4 stars; one submission).

Submission:

Labcorp Genetics (formerly Invitae), Labcorp
Classification: Uncertain significance. Last evaluated: 2022-03-25. Review status: criteria provided, single submitter. Criteria: Invitae Variant Classification Sherloc (09022015). Collection method: clinical testing. Allele origin: germline.
Comment: This sequence change replaces lysine, which is basic and polar, with arginine, which is basic and polar, at codon 1549 of the MCM3AP protein (p.Lys1549Arg). This variant is not present in population databases (gnomAD no frequency). In summary, the available evidence is currently insufficient to determine the role of this variant in disease. Therefore, it has been classified as a Variant of Uncertain Significance. Algorithms developed to predict the effect of missense changes on protein structure and function output the following: SIFT: "Tolerated"; PolyPhen-2: "Probably Damaging"; Align-GVGD: "Class C0". The arginine amino acid residue is found in multiple mammalian species, which suggests that this missense change does not adversely affect protein function. This variant has not been reported in the literature in individuals affected with MCM3AP-related conditions.

NM_003906.5(MCM3AP):c.4646A>G (p.Lys1549Arg)

Genes: MCM3AP (minichromosome maintenance complex component 3 associated protein; minus strand), MCM3AP-AS1 (MCM3AP antisense RNA 1; plus strand). Cytogenetic location: 21q22.3.
Variant type: single nucleotide variant.
Coding change: c.4646A>G on transcript NM_003906.5 (MANE Select); coding-DNA position 4646, A replaced by G.
Protein change: p.Lys1549Arg; replaces lysine 1549 with arginine.
Molecular consequence: missense variant.
Genome position (GRCh38, 1-based): chr21:46,246,308, T>C on the plus strand (A>G on the coding strand, the complement: MCM3AP is on the minus strand). VCF-style: chr21-46246308-T-C. GRCh37 (hg19) VCF-style: chr21-47666222-T-C.
Other names: short protein forms K1549R.
Identifiers: ClinVar variation 1383247 (VCV001383247.6), dbSNP rs2080767756, ClinGen allele CA410544657.